The following is an entry in ClinVar:

NM_001018116.2(CAVIN4):c.980C>A (p.Pro327His)

Gene: CAVIN4 (caveolae associated protein 4; plus strand). Cytogenetic location: 9q31.1.
Variant type: single nucleotide variant.
Coding change: c.980C>A on transcript NM_001018116.2 (MANE Select); coding-DNA position 980, C replaced by A.
Protein change: p.Pro327His; replaces proline 327 with histidine.
Molecular consequence: missense variant.
Genome position (GRCh38, 1-based): chr9:100,586,336, C>A. VCF-style: chr9-100586336-C-A. GRCh37 (hg19) VCF-style: chr9-103348618-C-A.
Other names: short protein forms P327H.
Identifiers: ClinVar variation 1186700 (VCV001186700.4), dbSNP rs148374985, ClinGen allele CA5160208.
Genomic context (GRCh38, chr9:100,586,336, plus strand): 5'-GTGAGCTCTACTCTGATGAGCTCAGTGAACCAGAACACGAGGCAGCCAGGCCGGTGTATC[C>A]TCCCCATGAAGGAAGGGAAATCCCCACCCCCGAGCCTTTAAAAGTTACTTTTAAATCTCA-3'
Protein context (NP_001018126.1, residues 317-337): PEHEAARPVY[Pro327His]PHEGREIPTP

ClinVar aggregate classification (germline): Uncertain significance (1 of 4 stars; one submission).

Allele frequency attached by ClinVar (database versions not stated): TOPMed 0.00017; ExAC 0.00018; gnomAD 0.00018 and 0.00019; gnomAD exomes 0.00018 and 0.00024; ESP Exome Variant Server 0.00038.

Submission:

GeneDx
Classification: Uncertain significance. Last evaluated: 2022-07-11. Review status: criteria provided, single submitter. Criteria: GeneDx Variant Classification Process June 2021. Collection method: clinical testing. Allele origin: germline. Affected: yes.
Comment: Identified in several individuals referred for cardiomyopathy genetic testing at GeneDx, however, segregation data are absent at this time, and at least one proband harbored a pathogenic variant in another disease-related disease; In silico analysis supports that this missense variant does not alter protein structure/function; This variant is associated with the following publications: (PMID: 28594148)